The following is an entry in ClinVar:

NM_000122.2(ERCC3):c.890T>G (p.Phe297Cys)

Gene: ERCC3 (ERCC excision repair 3, TFIIH core complex helicase subunit; minus strand). Cytogenetic location: 2q14.3.
Variant type: single nucleotide variant.
Coding change: c.890T>G on transcript NM_000122.2 (MANE Select); coding-DNA position 890, T replaced by G.
Protein change: p.Phe297Cys; replaces phenylalanine 297 with cysteine.
Molecular consequence: missense variant.
Genome position (GRCh38, 1-based): chr2:127,288,797, A>C on the plus strand (T>G on the coding strand, the complement: ERCC3 is on the minus strand). VCF-style: chr2-127288797-A-C. GRCh37 (hg19) VCF-style: chr2-128046373-A-C.
Other names: c.698T>G, p.Phe233Cys (NM_001303416.2, NM_001303418.2); short protein forms F233C, F297C.
Identifiers: ClinVar variation 2012698 (VCV002012698.4), dbSNP rs145267069, ClinGen allele CA348390458.

ClinVar aggregate classification (germline): Uncertain significance (1 of 4 stars; one submission).

Submission:

Labcorp Genetics (formerly Invitae), Labcorp
Classification: Uncertain significance. Last evaluated: 2022-07-01. Review status: criteria provided, single submitter. Criteria: Invitae Variant Classification Sherloc (09022015). Collection method: clinical testing. Allele origin: germline.
Comment: This sequence change replaces phenylalanine, which is neutral and non-polar, with cysteine, which is neutral and slightly polar, at codon 297 of the ERCC3 protein (p.Phe297Cys). In summary, the available evidence is currently insufficient to determine the role of this variant in disease. Therefore, it has been classified as a Variant of Uncertain Significance. Algorithms developed to predict the effect of missense changes on protein structure and function are either unavailable or do not agree on the potential impact of this missense change (SIFT: "Deleterious"; PolyPhen-2: "Probably Damaging"; Align-GVGD: "Class C0"). This variant has not been reported in the literature in individuals affected with ERCC3-related conditions. This variant is not present in population databases (gnomAD no frequency).